The following is an entry in ClinVar:

ClinVar aggregate classification (germline): Likely pathogenic (1 of 4 stars; one submission).

Conditions:
Primary ciliary dyskinesia 3. Identifiers: Orphanet 244, MedGen C1837618, MONDO:0012085, OMIM 608644.

Submission:

Myriad Genetics, Inc.
Classification: Likely pathogenic for Primary ciliary dyskinesia 3. Last evaluated: 2021-12-30. Review status: criteria provided, single submitter. Criteria: Myriad Women's Health Autosomal Recessive and X-Linked Classification Criteria (2021). Collection method: clinical testing. Allele origin: unknown.
Comment: NM_001369.2(DNAH5):c.5135_5140del6ins2(L1712Pfs*14) is expected to be pathogenic in the context of DNAH5-related primary ciliary dyskinesia. This variant is predicted to lead to an abnormal or absent protein product due to the creation of a premature termination codon in DNAH5, a gene where loss-of-function variants are known to be pathogenic. Please note: this variant was assessed in the context of healthy population screening.

NM_001369.3(DNAH5):c.5135_5140delinsCC (p.Leu1712fs)

Gene: DNAH5 (dynein axonemal heavy chain 5; minus strand). Cytogenetic location: 5p15.2.
Variant type: Indel.
Coding change: c.5135_5140delinsCC on transcript NM_001369.3 (MANE Select); coding-DNA positions 5135 to 5140, TGTGCT replaced by CC.
Protein change: p.Leu1712fs; shifts the reading frame from leucine 1712.
Molecular consequence: frameshift variant.
Genome position (GRCh38, 1-based): chr5:13,844,968-13,844,973, AGCACA replaced by GG on the plus strand (TGTGCT replaced by CC on the coding strand, the reverse complement: DNAH5 is on the minus strand). VCF-style: chr5-13844968-AGCACA-GG. GRCh37 (hg19) VCF-style: chr5-13845077-AGCACA-GG.
Other names: short protein forms L1712fs.
Identifiers: ClinVar variation 1726671 (VCV001726671.2), dbSNP rs2546923286, ClinGen allele CA2580072038.